The following is an entry in ClinVar:

ClinVar aggregate classification (germline): Conflicting classifications of pathogenicity. Review status: criteria provided, conflicting classifications (1 of 4 stars). 5 submissions from 5 submitters: Uncertain significance (1); Benign (2); Likely benign (2). Last evaluated 2026-01-12.

Conditions:
BICD2-related disorder. Also called: BICD2-related condition.
Inborn genetic diseases. Identifiers: MedGen C0950123, MeSH D030342.
Autosomal dominant childhood-onset proximal spinal muscular atrophy with contractures (SMALED2A). Also called: SPINAL MUSCULAR ATROPHY, LOWER EXTREMITY-PREDOMINANT, 2A, CHILDHOOD ONSET, AUTOSOMAL DOMINANT; Spinal muscular atrophy, lower extremity-predominant, 2A, autosomal dominant. Identifiers: Orphanet 363447, Orphanet 363454, MedGen C4747715, MONDO:0014121, OMIM 615290.

Allele frequency attached by ClinVar (database versions not stated): gnomAD 0.00001; TOPMed 0.00008.

Submissions (5):

Labcorp Genetics (formerly Invitae), Labcorp
Classification: Benign for Autosomal dominant childhood-onset proximal spinal muscular atrophy with contractures. Last evaluated: 2026-01-12. Review status: criteria provided, single submitter. Criteria: Invitae Variant Classification Sherloc (09022015). Collection method: clinical testing. Allele origin: germline.

PreventionGenetics, part of Exact Sciences
Classification: Likely benign for BICD2-related condition. Last evaluated: 2026-01-07. Review status: criteria provided, single submitter. Criteria: ACMG Guidelines, 2015. Collection method: clinical testing. Allele origin: germline.
Comment: This variant is classified as likely benign based on ACMG/AMP sequence variant interpretation guidelines (Richards et al. 2015 PMID: 25741868, with internal and published modifications).

Ambry Genetics
Classification: Likely benign for Inborn genetic diseases. Last evaluated: 2024-08-12. Review status: criteria provided, single submitter. Criteria: Ambry Variant Classification Scheme 2023. Collection method: clinical testing. Allele origin: germline.

GeneDx
Classification: Benign. Last evaluated: 2021-05-28. Review status: criteria provided, single submitter. Criteria: GeneDx Variant Classification Process June 2021. Collection method: clinical testing. Allele origin: germline. Affected: yes.
Comment: Missense variants in this gene are often considered pathogenic (Stenson et al., 2014); This variant is associated with the following publications: (PMID: 24077912)

ARUP Laboratories, Molecular Genetics and Genomics, ARUP Laboratories
Classification: Uncertain significance. Last evaluated: 2016-11-02. Review status: criteria provided, single submitter. Criteria: ARUP Molecular Germline Variant Investigation Process. Collection method: clinical testing. Allele origin: germline.

NM_001003800.2(BICD2):c.1376C>T (p.Thr459Met)

Gene: BICD2 (BICD cargo adaptor 2; minus strand). Cytogenetic location: 9q22.31.
Variant type: single nucleotide variant.
Coding change: c.1376C>T on transcript NM_001003800.2 (MANE Select); coding-DNA position 1376, C replaced by T.
Protein change: p.Thr459Met; replaces threonine 459 with methionine.
Molecular consequence: missense variant.
Genome position (GRCh38, 1-based): chr9:92,719,269, G>A on the plus strand (C>T on the coding strand, the complement: BICD2 is on the minus strand). VCF-style: chr9-92719269-G-A. GRCh37 (hg19) VCF-style: chr9-95481551-G-A.
Other names: c.1376C>T, p.Thr459Met (NM_015250.4); short protein forms T459M.
Identifiers: ClinVar variation 439432 (VCV000439432.21), dbSNP rs777065935, ClinGen allele CA5126572.